The following is an entry in ClinVar:

ClinVar aggregate classification (germline): Uncertain significance (1 of 4 stars; one submission).

Submission:

Labcorp Genetics (formerly Invitae), Labcorp
Classification: Uncertain significance. Last evaluated: 2021-10-28. Review status: criteria provided, single submitter. Criteria: Invitae Variant Classification Sherloc (09022015). Collection method: clinical testing. Allele origin: germline.
Comment: This sequence change replaces glycine, which is neutral and non-polar, with valine, which is neutral and non-polar, at codon 342 of the PRDM13 protein (p.Gly342Val). This variant is not present in population databases (gnomAD no frequency). This variant has not been reported in the literature in individuals affected with PRDM13-related conditions. Algorithms developed to predict the effect of missense changes on protein structure and function (SIFT, PolyPhen-2, Align-GVGD) all suggest that this variant is likely to be tolerated. In summary, the available evidence is currently insufficient to determine the role of this variant in disease. Therefore, it has been classified as a Variant of Uncertain Significance.

NM_021620.4(PRDM13):c.1025G>T (p.Gly342Val)

Genes: PRDM13 (PR/SET domain 13; plus strand), LOC129996881 (ATAC-STARR-seq lymphoblastoid silent region 17422; plus strand). Cytogenetic location: 6q16.2.
Variant type: single nucleotide variant.
Coding change: c.1025G>T on transcript NM_021620.4 (MANE Select); coding-DNA position 1025, G replaced by T.
Protein change: p.Gly342Val; replaces glycine 342 with valine.
Molecular consequence: missense variant.
Genome position (GRCh38, 1-based): chr6:99,613,660, G>T. VCF-style: chr6-99613660-G-T. GRCh37 (hg19) VCF-style: chr6-100061536-G-T.
Other names: short protein forms G342V.
Identifiers: ClinVar variation 1378657 (VCV001378657.6), dbSNP rs1770072830, ClinGen allele CA365117541.